The following is an entry in ClinVar:

ClinVar aggregate classification (germline): Benign/Likely benign. Review status: criteria provided, multiple submitters, no conflicts (2 of 4 stars). 7 submissions from 7 submitters: Benign (2); Likely benign (2). 3 of the submissions do not count toward it. Last evaluated 2026-01-26.

Conditions:
Mendelian susceptibility to mycobacterial diseases due to partial STAT1 deficiency. Also called: IMMUNODEFICIENCY 31A, MYCOBACTERIOSIS, AUTOSOMAL DOMINANT; STAT1 DEFICIENCY, AUTOSOMAL DOMINANT; Immunodeficiency 31a. Identifiers: Orphanet 319595, MedGen C4013950, MONDO:0013956, OMIM 614892.
STAT1-related disorder. Also called: STAT1-related condition.
Immunodeficiency 31B. Also called: IMMUNODEFICIENCY 31B, MYCOBACTERIAL AND VIRAL INFECTIONS, AUTOSOMAL RECESSIVE; STAT1 DEFICIENCY, AUTOSOMAL RECESSIVE. Identifiers: Orphanet 391311, MedGen C3151088, MONDO:0013427, OMIM 613796.
Autoimmune enteropathy and endocrinopathy - susceptibility to chronic infections syndrome. Also called: Immunodeficiency 31C, autosomal dominant; Immunodeficiency 31C. Identifiers: Orphanet 391487, MedGen C3279990, MONDO:0013599, OMIM 614162.

Allele frequency attached by ClinVar (database versions not stated): ExAC 0.00066; ESP Exome Variant Server 0.00238; 1000 Genomes Project 30x 0.00250; gnomAD 0.00259 and 0.00274; TOPMed 0.00262; 1000 Genomes Project 0.00300.
gnomAD v4.1: 728 of 1,610,054 alleles (0.045%); highest among the groups gnomAD compares: African/African-American, 0.9%; 8 homozygotes.

Submissions (7):

Labcorp Genetics (formerly Invitae), Labcorp
Classification: Benign for Mendelian susceptibility to mycobacterial diseases due to partial STAT1 deficiency; Immunodeficiency 31B; Autoimmune enteropathy and endocrinopathy - susceptibility to chronic infections syndrome. Last evaluated: 2026-01-26. Review status: criteria provided, single submitter. Criteria: Invitae Variant Classification Sherloc (09022015). Collection method: clinical testing. Allele origin: germline.

Blueprint Genetics
Classification: Likely benign. Last evaluated: 2023-12-05. Review status: criteria provided, single submitter. Criteria: ACMG Guidelines, 2015. Collection method: clinical testing. Allele origin: germline.

CeGaT Center for Human Genetics Tuebingen
Classification: Likely benign. Last evaluated: 2022-04-01. Review status: criteria provided, single submitter. Criteria: CeGaT Center For Human Genetics Tuebingen Variant Classification Criteria Version 2. Collection method: clinical testing. Allele origin: germline. Affected: yes. Observed: 1 variant allele.
Comment: STAT1: BP4, BS2

Illumina Laboratory Services, Illumina
Classification: Benign for Mendelian susceptibility to mycobacterial diseases due to partial STAT1 deficiency. Last evaluated: 2018-01-13. Review status: criteria provided, single submitter. Criteria: ICSL Variant Classification Criteria 13 December 2019. Collection method: clinical testing. Allele origin: germline.
Comment: This variant was observed in the ICSL laboratory as part of a predisposition screen in an ostensibly healthy population. It had not been previously curated by ICSL or reported in the Human Gene Mutation Database (HGMD: prior to June 1st, 2018), and was therefore a candidate for classification through an automated scoring system. Utilizing variant allele frequency, disease prevalence and penetrance estimates, and inheritance mode, an automated score was calculated to assess if this variant is too frequent to cause the disease. Based on the score and internal cut-off values, a variant classified as benign is not then subjected to further curation. The score for this variant resulted in a classification of benign for this disease.

PreventionGenetics, part of Exact Sciences
Classification: Benign for STAT1-related condition. Last evaluated: 2024-02-01. Review status: no assertion criteria provided. Collection method: clinical testing. Allele origin: germline. Not counted in ClinVar's aggregate classification.
Comment: This variant is classified as benign based on ACMG/AMP sequence variant interpretation guidelines (Richards et al. 2015 PMID: 25741868, with internal and published modifications).

Clinical Genetics DNA and cytogenetics Diagnostics Lab, Erasmus MC, Erasmus Medical Center
Classification: Likely benign. Review status: no assertion criteria provided. Collection method: clinical testing. Allele origin: germline. Affected: yes. Study: VKGL Data-share Consensus. Not counted in ClinVar's aggregate classification.

Genome Diagnostics Laboratory, University Medical Center Utrecht
Classification: Likely benign. Review status: no assertion criteria provided. Collection method: clinical testing. Allele origin: germline. Affected: yes. Study: VKGL Data-share Consensus. Not counted in ClinVar's aggregate classification.

NM_007315.4(STAT1):c.1347+8T>G

Gene: STAT1 (signal transducer and activator of transcription 1; minus strand). Cytogenetic location: 2q32.2.
Variant type: single nucleotide variant.
Coding change: c.1347+8T>G on transcript NM_007315.4 (MANE Select); 8 bases into the intron after coding-DNA position 1347, T replaced by G.
Molecular consequence: intron variant.
Genome position (GRCh38, 1-based): chr2:190,984,302, A>C on the plus strand (T>G on the coding strand, the complement: STAT1 is on the minus strand). VCF-style: chr2-190984302-A-C. GRCh37 (hg19) VCF-style: chr2-191849028-A-C.
Other names: c.1257+8T>G (NM_001384890.1); c.1248+8T>G (NM_001384883.1); c.1188+8T>G (NM_001384885.1); c.1254+8T>G (NM_001384887.1); c.1287+8T>G (NM_001384880.1); c.1317+8T>G (NM_001384888.1); c.1341+8T>G (NM_001384882.1); c.1347+8T>G (NM_001384889.1, NM_001384886.1, NM_139266.3); and 2 more.
Identifiers: ClinVar variation 333272 (VCV000333272.43), dbSNP rs16833147, ClinGen allele CA2029959.